The following is an entry in ClinVar:

ClinVar aggregate classification (germline): Conflicting classifications of pathogenicity. Review status: criteria provided, conflicting classifications (1 of 4 stars). 2 submissions from 2 submitters: Likely pathogenic (1); Uncertain significance (1). Last evaluated 2023-03-14.

Conditions:
Lysosomal acid lipase deficiency. Also called: Acid cholesteryl ester hydrolase deficiency, type 2. Identifiers: Orphanet 275761, MedGen C5574740, MONDO:0800449, MONDO:0010204.
LIPA-related disorder. Also called: LIPA-related disorders; LIPA-related condition.

Allele frequency attached by ClinVar (database versions not stated): TOPMed below 0.00001; gnomAD exomes 0.00001.
gnomAD v4.1: 8 of 1,609,550 alleles (0.0005%); highest among the groups gnomAD compares: African/African-American, 0.0013%; no homozygotes.

Submissions (2):

PreventionGenetics, part of Exact Sciences
Classification: Uncertain significance for LIPA-related condition. Last evaluated: 2023-03-14. Review status: criteria provided, single submitter. Criteria: ACMG Guidelines, 2015. Collection method: clinical testing. Allele origin: germline.
Comment: The LIPA c.974C>T variant is predicted to result in the amino acid substitution p.Pro325Leu. This variant was reported in one individual with lysosomal acid lipase deficiency participating in clinical trial (Del Angel et al. 2019. PubMed ID: 31180157). In vitro functional studies showed that this variant results in enzymatic activity of ab out 7-8% of wild type activity (Del Angel et al. 2019. PubMed ID: 31180157 Table S1). This variant has not been reported in a large population database, indicating this variant is rare. Although we suspect that this variant may be pathogenic, at this time, the clinical significance of this variant is uncertain due to the absence of conclusive functional and genetic evidence.

Alexion, Astrazeneca Rare Disease, Astrazeneca
Classification: Likely pathogenic for Lysosomal acid lipase deficiency. Last evaluated: 2019-06-01. Review status: criteria provided, single submitter. Criteria: ACMG Guidelines, 2015. Collection method: research. Allele origin: germline. Affected: yes.
Comment: ACMG PS3 criterion ascertained by in-vitro functional study, PMID:31180157

Literature cited by the submitters: PubMed 31180157 (cited by Alexion, Astrazeneca Rare Disease, Astrazeneca).

NM_000235.4(LIPA):c.974C>T (p.Pro325Leu)

Gene: LIPA (lipase A, lysosomal acid type; minus strand). Cytogenetic location: 10q23.31.
Variant type: single nucleotide variant.
Coding change: c.974C>T on transcript NM_000235.4 (MANE Select); coding-DNA position 974, C replaced by T.
Protein change: p.Pro325Leu; replaces proline 325 with leucine.
Molecular consequence: missense variant.
Genome position (GRCh38, 1-based): chr10:89,215,054, G>A on the plus strand (C>T on the coding strand, the complement: LIPA is on the minus strand). VCF-style: chr10-89215054-G-A. GRCh37 (hg19) VCF-style: chr10-90974811-G-A.
Other names: c.974C>T (NM_000235.3); c.974C>T, p.Pro325Leu (NM_001127605.3); c.626C>T, p.Pro209Leu (NM_001288979.2); short protein forms P209L, P325L.
Identifiers: ClinVar variation 695042 (VCV000695042.3), dbSNP rs1326903845, ClinGen allele CA377516419.
Genomic context (GRCh38, chr10:89,215,054, plus strand): 5'-TCGTGACCCCCGCTCCAGACTGCAGTCGGCACAAGCATGTCCTTCACATTGTATGTGGGA[G>A]GATAACTCTACAATGAAAAGGAACCAGAGAAAGCCTCGTTGTTGTTGTTGTTTTAATTTT-3'
Protein context (NP_000226.2, residues 315-335): KNYFHYNQSY[Pro325Leu]PTYNVKDMLV